The following is an entry in ClinVar:

ClinVar aggregate classification (germline): Conflicting classifications of pathogenicity. Review status: criteria provided, conflicting classifications (1 of 4 stars). 3 submissions from 3 submitters: Uncertain significance (1); Benign (1); Likely benign (1). Last evaluated 2026-08-01.

Conditions:
Fanconi anemia complementation group C (FANCC). Also called: Fanconi anemia, group C; FANCONI PANCYTOPENIA, TYPE 3; FACC; FANCC-Related Fanconi Anemia. Identifiers: Orphanet 84, MedGen C3468041, MONDO:0009213, OMIM 227645.

Allele frequency attached by ClinVar (database versions not stated): 1000 Genomes Project 30x 0.00219; 1000 Genomes Project 0.00220; TOPMed 0.00544; gnomAD 0.00852 and 0.00893; gnomAD exomes 0.00915.
gnomAD v4.1: 13,460 of 1,485,946 alleles (0.91%); highest among the groups gnomAD compares: South Asian, 1%; 100 homozygotes.

Submissions (3):

CeGaT Center for Human Genetics Tuebingen
Classification: Benign. Last evaluated: 2026-08-01. Review status: criteria provided, single submitter. Criteria: CeGaT Center For Human Genetics Tuebingen Variant Classification Criteria Version 2. Collection method: clinical testing. Allele origin: germline. Affected: yes. Observed: 16 variant alleles.
Comment: FANCC: BS1, BS2

GeneDx
Classification: Likely benign. Last evaluated: 2018-06-18. Review status: criteria provided, single submitter. Criteria: GeneDx Variant Classification Process June 2021. Collection method: clinical testing. Allele origin: germline. Affected: yes.

Illumina Laboratory Services, Illumina
Classification: Uncertain significance for Fanconi anemia complementation group C. Last evaluated: 2018-01-12. Review status: criteria provided, single submitter. Criteria: ICSL Variant Classification Criteria 13 December 2019. Collection method: clinical testing. Allele origin: germline.

NM_000136.3(FANCC):c.*96A>G

Genes: AOPEP (aminopeptidase O (putative); plus strand), FANCC (FA complementation group C; minus strand). Cytogenetic location: 9q22.32.
Variant type: single nucleotide variant.
Coding change: c.*96A>G on transcript NM_000136.3 (MANE Select); 96 bases downstream of the stop codon, A replaced by G.
Molecular consequence: 3 prime UTR variant.
Genome position (GRCh38, 1-based): chr9:95,101,611, T>C on the plus strand (A>G on the coding strand, the complement: FANCC is on the minus strand). VCF-style: chr9-95101611-T-C. GRCh37 (hg19) VCF-style: chr9-97863893-T-C.
Other names: c.*96A>G (NM_001243743.2).
Identifiers: ClinVar variation 913627 (VCV000913627.31), dbSNP rs55687573, ClinGen allele CA196536463.